The following is an entry in ClinVar:

ClinVar aggregate classification (germline): Likely benign (0 of 4 stars; one submission).

Conditions:
ARHGEF28-related disorder. Also called: ARHGEF28-related condition.

Allele frequency attached by ClinVar (database versions not stated): TOPMed 0.00005; gnomAD 0.00006.
gnomAD v4.1: 29 of 1,535,680 alleles (0.0019%); highest among the groups gnomAD compares: African/African-American, 0.011%; no homozygotes.

Submission:

PreventionGenetics, part of Exact Sciences
Classification: Likely benign for ARHGEF28-related condition. Last evaluated: 2022-01-04. Review status: no assertion criteria provided. Collection method: clinical testing. Allele origin: germline.
Comment: This variant is classified as likely benign based on ACMG/AMP sequence variant interpretation guidelines (Richards et al. 2015 PMID: 25741868, with internal and published modifications).

NM_001177693.2(ARHGEF28):c.1024+18233G>A

Gene: ARHGEF28 (Rho guanine nucleotide exchange factor 28; plus strand). Cytogenetic location: 5q13.2.
Variant type: single nucleotide variant.
Coding change: c.1024+18233G>A on transcript NM_001177693.2 (MANE Select); 18233 bases into the intron after coding-DNA position 1024, G replaced by A.
Molecular consequence: intron variant. On other transcripts: synonymous variant (1).
Genome position (GRCh38, 1-based): chr5:73,813,624, G>A. VCF-style: chr5-73813624-G-A. GRCh37 (hg19) VCF-style: chr5-73109449-G-A.
Other names: c.36G>A, p.Ser12= (NM_001244364.2); c.1024+18233G>A (NM_001080479.3, NM_001388078.1); c.730+18233G>A (NM_001388076.1).
Identifiers: ClinVar variation 3036723 (VCV003036723.2), dbSNP rs981378727, ClinGen allele CA120870671.